The following is an entry in ClinVar:

NM_020987.5(ANK3):c.2171A>T (p.Asp724Val)

Gene: ANK3 (ankyrin 3; minus strand). Cytogenetic location: 10q21.2.
Variant type: single nucleotide variant.
Coding change: c.2171A>T on transcript NM_020987.5 (MANE Select); coding-DNA position 2171, A replaced by T.
Protein change: p.Asp724Val; replaces aspartic acid 724 with valine.
Molecular consequence: missense variant.
Genome position (GRCh38, 1-based): chr10:60,181,342, T>A on the plus strand (A>T on the coding strand, the complement: ANK3 is on the minus strand). VCF-style: chr10-60181342-T-A. GRCh37 (hg19) VCF-style: chr10-61941100-T-A.
Other names: c.2153A>T, p.Asp718Val (NM_001204403.2); c.2120A>T, p.Asp707Val (NM_001204404.2); c.2171A>T, p.Asp724Val (NM_001320874.2); short protein forms D707V, D718V, D724V.
Identifiers: ClinVar variation 4527592 (VCV004527592.1).

ClinVar aggregate classification (germline): Uncertain significance (1 of 4 stars; one submission).

Submission:

GeneDx
Classification: Uncertain significance. Last evaluated: 2025-04-28. Review status: criteria provided, single submitter. Criteria: GeneDx Variant Classification Process June 2021. Collection method: clinical testing. Allele origin: germline. Affected: yes.
Comment: Not observed at significant frequency in large population cohorts (gnomAD); In silico analysis supports that this missense variant has a deleterious effect on protein structure/function; Has not been previously published as pathogenic or benign to our knowledge